The following is an entry in ClinVar:

NM_000038.6(APC):c.3658A>T (p.Thr1220Ser)

Gene: APC (APC regulator of Wnt signaling pathway; plus strand). Cytogenetic location: 5q22.2.
Variant type: single nucleotide variant.
Coding change: c.3658A>T on transcript NM_000038.6 (MANE Select); coding-DNA position 3658, A replaced by T.
Protein change: p.Thr1220Ser; replaces threonine 1220 with serine.
Molecular consequence: missense variant. On other transcripts: non-coding transcript variant (2).
Genome position (GRCh38, 1-based): chr5:112,839,252, A>T. VCF-style: chr5-112839252-A-T. GRCh37 (hg19) VCF-style: chr5-112174949-A-T.
Other names: c.3658A>T, p.Thr1220Ser (NM_001127510.3, NM_001354895.2, NM_001407450.1); c.3604A>T, p.Thr1202Ser (NM_001127511.3); c.3712A>T, p.Thr1238Ser (NM_001354896.2, NM_001407447.1, NM_001407448.1 and 1 more transcripts); c.3688A>T, p.Thr1230Ser (NM_001354897.2); c.3583A>T, p.Thr1195Ser (NM_001354898.2); c.3574A>T, p.Thr1192Ser (NM_001354899.2); c.3535A>T, p.Thr1179Ser (NM_001354900.2); c.3481A>T, p.Thr1161Ser (NM_001354901.2, NM_001407453.1); and 11 more; short protein forms T1094S, T1195S, T1202S, T1210S, T1238S, T1091S, T1179S, T1230S.
Identifiers: ClinVar variation 2869783 (VCV002869783.3), dbSNP rs2149896462, ClinGen allele CA16029367.

ClinVar aggregate classification (germline): Uncertain significance (1 of 4 stars; one submission).

Conditions:
Familial adenomatous polyposis 1 (FAP1). Also called: FAMILIAL ADENOMATOUS POLYPOSIS 1, ATTENUATED; POLYPOSIS, ADENOMATOUS INTESTINAL. Identifiers: MedGen C2713442, MONDO:0021056, OMIM 175100. Disease mechanism: loss of function.

Submission:

Labcorp Genetics (formerly Invitae), Labcorp
Classification: Uncertain significance for Familial adenomatous polyposis 1. Last evaluated: 2023-08-27. Review status: criteria provided, single submitter. Criteria: Invitae Variant Classification Sherloc (09022015). Collection method: clinical testing. Allele origin: germline.
Comment: In summary, the available evidence is currently insufficient to determine the role of this variant in disease. Therefore, it has been classified as a Variant of Uncertain Significance. Advanced modeling of protein sequence and biophysical properties (such as structural, functional, and spatial information, amino acid conservation, physicochemical variation, residue mobility, and thermodynamic stability) performed at Invitae indicates that this missense variant is not expected to disrupt APC protein function. This variant has not been reported in the literature in individuals affected with APC-related conditions. This variant is not present in population databases (gnomAD no frequency). This sequence change replaces threonine, which is neutral and polar, with serine, which is neutral and polar, at codon 1220 of the APC protein (p.Thr1220Ser).